The following is an entry in ClinVar:

ClinVar aggregate classification (germline): Uncertain significance. Review status: criteria provided, multiple submitters, no conflicts (2 of 4 stars). 3 submissions from 3 submitters: Uncertain significance (3). Last evaluated 2023-10-24.

Conditions:
Developmental and epileptic encephalopathy, 34 (DEE34). Also called: Early infantile epileptic encephalopathy 34; SLC12A5-Related Epilepsy of Infancy with Migrating Focal Seizures. Identifiers: Orphanet 293181, MedGen C4225257, MONDO:0014718, OMIM 616645.
Epilepsy, idiopathic generalized, susceptibility to, 14 (EIG14). Identifiers: MedGen C4225245, MONDO:0014734, OMIM 616685.

Allele frequency attached by ClinVar (database versions not stated): gnomAD exomes below 0.00001; gnomAD 0.00001; TOPMed 0.00004.
gnomAD v4.1: 4 of 1,602,490 alleles (0.00025%); highest among the groups gnomAD compares: African/African-American, 0.004%; no homozygotes.

Submissions (3):

Ambry Genetics
Classification: Uncertain significance. Last evaluated: 2023-10-24. Review status: criteria provided, single submitter. Criteria: Ambry Variant Classification Scheme 2023. Collection method: clinical testing. Allele origin: germline.

Labcorp Genetics (formerly Invitae), Labcorp
Classification: Uncertain significance for Developmental and epileptic encephalopathy, 34. Last evaluated: 2022-03-23. Review status: criteria provided, single submitter. Criteria: Invitae Variant Classification Sherloc (09022015). Collection method: clinical testing. Allele origin: germline.
Comment: This sequence change replaces phenylalanine, which is neutral and non-polar, with leucine, which is neutral and non-polar, at codon 715 of the SLC12A5 protein (p.Phe715Leu). This variant is not present in population databases (gnomAD no frequency). This variant has not been reported in the literature in individuals affected with SLC12A5-related conditions. ClinVar contains an entry for this variant (Variation ID: 574875). Advanced modeling of protein sequence and biophysical properties (such as structural, functional, and spatial information, amino acid conservation, physicochemical variation, residue mobility, and thermodynamic stability) performed at Invitae indicates that this missense variant is not expected to disrupt SLC12A5 protein function. In summary, the available evidence is currently insufficient to determine the role of this variant in disease. Therefore, it has been classified as a Variant of Uncertain Significance.

Fulgent Genetics
Classification: Uncertain significance for Developmental and epileptic encephalopathy, 34; Epilepsy, idiopathic generalized, susceptibility to, 14. Last evaluated: 2021-12-08. Review status: criteria provided, single submitter. Criteria: ACMG Guidelines, 2015. Collection method: clinical testing. Allele origin: unknown.

NM_020708.5(SLC12A5):c.2143T>C (p.Phe715Leu)

Gene: SLC12A5 (solute carrier family 12 member 5; plus strand). Cytogenetic location: 20q13.12.
Variant type: single nucleotide variant.
Coding change: c.2143T>C on transcript NM_020708.5 (MANE Select); coding-DNA position 2143, T replaced by C.
Protein change: p.Phe715Leu; replaces phenylalanine 715 with leucine.
Molecular consequence: missense variant.
Genome position (GRCh38, 1-based): chr20:46,049,752, T>C. VCF-style: chr20-46049752-T-C. GRCh37 (hg19) VCF-style: chr20-44678391-T-C.
Other names: c.2212T>C, p.Phe738Leu (NM_001134771.2); c.2212T>C (NM_001134771.1); short protein forms F715L, F738L.
Identifiers: ClinVar variation 574875 (VCV000574875.8), dbSNP rs890647462, ClinGen allele CA315641090.